The following is an entry in ClinVar:

NM_006118.4(HAX1):c.316+10T>C

Gene: HAX1 (HCLS1 associated protein X-1; plus strand). Cytogenetic location: 1q21.3.
Variant type: single nucleotide variant.
Coding change: c.316+10T>C on transcript NM_006118.4 (MANE Select); 10 bases into the intron after coding-DNA position 316, T replaced by C.
Molecular consequence: intron variant.
Genome position (GRCh38, 1-based): chr1:154,273,608, T>C. VCF-style: chr1-154273608-T-C. GRCh37 (hg19) VCF-style: chr1-154246084-T-C.
Other names: p.?; c.172+10T>C (NM_001018837.2).
Identifiers: ClinVar variation 4683462 (VCV004683462.1).

ClinVar aggregate classification (germline): Likely benign (1 of 4 stars; one submission).

Submission:

Mayo Clinic Laboratories, Mayo Clinic
Classification: Likely benign. Last evaluated: 2025-10-06. Review status: criteria provided, single submitter. Criteria: ACMG Guidelines, 2015. Collection method: clinical testing. Allele origin: germline. Observed: 1 variant allele.
Comment: BP4, BP7